The following is an entry in ClinVar:

NM_005445.4(SMC3):c.1155T>C (p.Phe385=)

Gene: SMC3 (structural maintenance of chromosomes 3; plus strand). Cytogenetic location: 10q25.2.
Variant type: single nucleotide variant.
Coding change: c.1155T>C on transcript NM_005445.4 (MANE Select); coding-DNA position 1155, T replaced by C.
Protein change: p.Phe385=; no amino-acid change (phenylalanine 385 retained).
Molecular consequence: synonymous variant.
Genome position (GRCh38, 1-based): chr10:110,584,246, T>C. VCF-style: chr10-110584246-T-C. GRCh37 (hg19) VCF-style: chr10-112344004-T-C.
Identifiers: ClinVar variation 4083807 (VCV004083807.8).

ClinVar aggregate classification (germline): Likely benign (1 of 4 stars; one submission).

gnomAD v4.1: 42 of 1,614,040 alleles (0.0026%); highest among the groups gnomAD compares: Non-Finnish European, 0.0035%; no homozygotes.

Submission:

CeGaT Center for Human Genetics Tuebingen
Classification: Likely benign. Last evaluated: 2025-08-01. Review status: criteria provided, single submitter. Criteria: CeGaT Center For Human Genetics Tuebingen Variant Classification Criteria Version 2. Collection method: clinical testing. Allele origin: germline. Affected: yes. Observed: 1 variant allele.
Comment: SMC3: BP4, BP7, BS2